The following is an entry in ClinVar:

NM_015202.5(KATNIP):c.2467A>G (p.Lys823Glu)

Gene: KATNIP (katanin interacting protein; plus strand). Cytogenetic location: 16p12.1.
Variant type: single nucleotide variant.
Coding change: c.2467A>G on transcript NM_015202.5 (MANE Select); coding-DNA position 2467, A replaced by G.
Protein change: p.Lys823Glu; replaces lysine 823 with glutamic acid.
Molecular consequence: missense variant.
Genome position (GRCh38, 1-based): chr16:27,740,764, A>G. VCF-style: chr16-27740764-A-G. GRCh37 (hg19) VCF-style: chr16-27752085-A-G.
Other names: c.2467A>G (NM_015202.3); short protein forms K823E.
Identifiers: ClinVar variation 775107 (VCV000775107.37), dbSNP rs200031957, ClinGen allele CA7977973.

ClinVar aggregate classification (germline): Likely benign. Review status: criteria provided, multiple submitters, no conflicts (2 of 4 stars). 5 submissions from 5 submitters: Likely benign (4). 1 of the submissions does not count toward it. Last evaluated 2025-10-15.

Conditions:
KATNIP-related disorder. Also called: KATNIP-related condition.

Allele frequency attached by ClinVar (database versions not stated): ESP Exome Variant Server 0.00015; gnomAD 0.00045 and 0.00048; TOPMed 0.00060; gnomAD exomes 0.00080 and 0.00089; ExAC 0.00083; 1000 Genomes Project 0.00100; 1000 Genomes Project 30x 0.00109.
gnomAD v4.1: 1,238 of 1,614,190 alleles (0.077%); highest among the groups gnomAD compares: Admixed American, 0.23%; 3 homozygotes.

Submissions (5):

Labcorp Genetics (formerly Invitae), Labcorp
Classification: Likely benign. Last evaluated: 2025-10-15. Review status: criteria provided, single submitter. Criteria: Invitae Variant Classification Sherloc (09022015). Collection method: clinical testing. Allele origin: germline.

Blueprint Genetics
Classification: Likely benign. Last evaluated: 2024-10-15. Review status: criteria provided, single submitter. Criteria: ACMG Guidelines, 2015. Collection method: clinical testing. Allele origin: germline.

Ambry Genetics
Classification: Likely benign. Last evaluated: 2023-06-06. Review status: criteria provided, single submitter. Criteria: Ambry Variant Classification Scheme 2023. Collection method: clinical testing. Allele origin: germline.

CeGaT Center for Human Genetics Tuebingen
Classification: Likely benign. Last evaluated: 2022-04-01. Review status: criteria provided, single submitter. Criteria: CeGaT Center For Human Genetics Tuebingen Variant Classification Criteria Version 2. Collection method: clinical testing. Allele origin: germline. Affected: yes. Observed: 1 variant allele.
Comment: KATNIP: BP4

PreventionGenetics, part of Exact Sciences
Classification: Likely benign for KATNIP-related condition. Last evaluated: 2022-09-13. Review status: no assertion criteria provided. Collection method: clinical testing. Allele origin: germline. Not counted in ClinVar's aggregate classification.
Comment: This variant is classified as likely benign based on ACMG/AMP sequence variant interpretation guidelines (Richards et al. 2015 PMID: 25741868, with internal and published modifications).